The following is an entry in ClinVar:

NM_000069.3(CACNA1S):c.2386G>A (p.Val796Ile)

Gene: CACNA1S (calcium voltage-gated channel subunit alpha1 S; minus strand). Cytogenetic location: 1q32.1.
Variant type: single nucleotide variant.
Coding change: c.2386G>A on transcript NM_000069.3 (MANE Select); coding-DNA position 2386, G replaced by A.
Protein change: p.Val796Ile; replaces valine 796 with isoleucine.
Molecular consequence: missense variant.
Genome position (GRCh38, 1-based): chr1:201,069,576, C>T on the plus strand (G>A on the coding strand, the complement: CACNA1S is on the minus strand). VCF-style: chr1-201069576-C-T. GRCh37 (hg19) VCF-style: chr1-201038704-C-T.
Other names: short protein forms V796I.
Identifiers: ClinVar variation 4759175 (VCV004759175.2).

ClinVar aggregate classification (germline): Conflicting classifications of pathogenicity. Review status: criteria provided, conflicting classifications (1 of 4 stars). 2 submissions from 2 submitters: Uncertain significance (1); Likely benign (1). Last evaluated 2025-11-06.

Conditions:
Malignant hyperthermia, susceptibility to, 5 (MHS5). Also called: CACNA1S-Related Malignant Hyperthermia Susceptibility. Identifiers: Orphanet 423, MedGen C1866077, MONDO:0011163, OMIM 601887.
Hypokalemic periodic paralysis, type 1. Also called: Hypokalemic Periodic Paralysis Type 1 (AD); HypoPP. Identifiers: Orphanet 681, MedGen C3714580, MONDO:0042979, OMIM 170400.

Submissions (2):

Labcorp Genetics (formerly Invitae), Labcorp
Classification: Likely benign for Hypokalemic periodic paralysis, type 1; Malignant hyperthermia, susceptibility to, 5. Last evaluated: 2025-11-06. Review status: criteria provided, single submitter. Criteria: Invitae Variant Classification Sherloc (09022015). Collection method: clinical testing. Allele origin: germline.

Color Diagnostics, LLC DBA Color Health
Classification: Uncertain significance for Malignant hyperthermia, susceptibility to, 5. Last evaluated: 2023-08-09. Review status: criteria provided, single submitter. Criteria: ACMG Guidelines, 2015. Collection method: clinical testing. Allele origin: germline.
Comment: This missense variant replaces valine with isoleucine at codon 796 of the CACNA1S protein. Computational prediction suggests that this variant may not impact protein structure and function. To our knowledge, functional studies have not been reported for this variant. This variant has not been reported in individuals affected with CACNA1S-related disorders in the literature. This variant has been identified in 7/165620 chromosomes in the general population by the Genome Aggregation Database (gnomAD). The available evidence is insufficient to determine the role of this variant in disease conclusively. Therefore, this variant is classified as a Variant of Uncertain Significance.